The following is an entry in ClinVar:

ClinVar aggregate classification (germline): Pathogenic. Review status: criteria provided, multiple submitters, no conflicts (2 of 4 stars). 2 submissions from 2 submitters: Pathogenic (2). Last evaluated 2021-07-14.

Conditions:
Hereditary cancer-predisposing syndrome. Also called: Tumor predisposition; Neoplastic Syndromes, Hereditary; Hereditary Cancer Syndrome; Hereditary neoplastic syndrome. Identifiers: Orphanet 140162, MedGen C0027672, MeSH D009386, MONDO:0015356.
Ataxia-telangiectasia syndrome (AT). Also called: Ataxia-telangiectasia; LOUIS-BAR SYNDROME; Ataxia-telangiectasia, complementation group D; AT, COMPLEMENTATION GROUP C; ATAXIA-TELANGIECTASIA, COMPLEMENTATION GROUP A; ATAXIA-TELANGIECTASIA, FRESNO VARIANT. Identifiers: Orphanet 100, MedGen C0004135, MONDO:0008840, OMIM 208900.

Submissions (2):

Ambry Genetics
Classification: Pathogenic for Hereditary cancer-predisposing syndrome. Last evaluated: 2021-07-14. Review status: criteria provided, single submitter. Criteria: Ambry Variant Classification Scheme 2023. Collection method: clinical testing. Allele origin: germline.
Comment: The c.6735dupA pathogenic mutation, located in coding exon 45 of the ATM gene, results from a duplication of A at nucleotide position 6735, causing a translational frameshift with a predicted alternate stop codon (p.C2246Mfs*3). This alteration is expected to result in loss of function by premature protein truncation or nonsense-mediated mRNA decay. As such, this alteration is interpreted as a disease-causing mutation.

Labcorp Genetics (formerly Invitae), Labcorp
Classification: Pathogenic for Ataxia-telangiectasia syndrome. Last evaluated: 2021-04-27. Review status: criteria provided, single submitter. Criteria: Invitae Variant Classification Sherloc (09022015). Collection method: clinical testing. Allele origin: germline.
Comment: This sequence change creates a premature translational stop signal (p.Cys2246Metfs*3) in the ATM gene. It is expected to result in an absent or disrupted protein product. Loss-of-function variants in ATM are known to be pathogenic (PMID: 23807571, 25614872). For these reasons, this variant has been classified as Pathogenic. This variant has not been reported in the literature in individuals with ATM-related conditions. This variant is not present in population databases (ExAC no frequency).

Literature cited by the submitters: PubMed 23807571 (cited by Labcorp Genetics (formerly Invitae), Labcorp); PubMed 25614872 (cited by Labcorp Genetics (formerly Invitae), Labcorp).

NM_000051.4(ATM):c.6735dup (p.Cys2246fs)

Genes: ATM (ATM serine/threonine kinase; plus strand), C11orf65 (chromosome 11 open reading frame 65; minus strand). Cytogenetic location: 11q22.3.
Variant type: Duplication.
Coding change: c.6735dup on transcript NM_000051.4 (MANE Select); coding-DNA position 6735, one base duplicated (A; older notation c.6735dupA).
Protein change: p.Cys2246fs; shifts the reading frame from cysteine 2246.
Molecular consequence: frameshift variant. On other transcripts: intron variant (2).
Genome position (GRCh38, 1-based): chr11:108,325,472, A duplicated; the last of 2 consecutive A bases (chr11:108,325,471-108,325,472); duplicating either gives the same sequence. VCF-style (leftmost placement, unchanged base first): chr11-108325470-G-GA. GRCh37 (hg19) VCF-style: chr11-108196197-G-GA.
Other names: c.6735dupA (NM_000051.3); c.*38+9749dup (NM_001351110.2); c.6735dup, p.Cys2246fs (NM_001351834.2); c.641-16400dup (NM_001330368.2); short protein forms C2246fs.
Identifiers: ClinVar variation 1381402 (VCV001381402.9), dbSNP rs2136315218, ClinGen allele CA2573146484.